The following is an entry in ClinVar:

ClinVar aggregate classification (germline): Uncertain significance (1 of 4 stars; one submission).

gnomAD v4.1: 6 of 1,614,044 alleles (0.00037%); highest among the groups gnomAD compares: Non-Finnish European, 0.00051%; no homozygotes.

Submission:

GeneDx
Classification: Uncertain significance. Last evaluated: 2025-06-11. Review status: criteria provided, single submitter. Criteria: GeneDx Variant Classification Process June 2021. Collection method: clinical testing. Allele origin: germline. Affected: yes.
Comment: Not observed at significant frequency in large population cohorts (gnomAD); In silico analysis suggests that this missense variant does not alter protein structure/function; Has not been previously published as pathogenic or benign to our knowledge

NM_001127671.2(LIFR):c.1072G>T (p.Val358Leu)

Gene: LIFR (LIF receptor subunit alpha; minus strand). Cytogenetic location: 5p13.1.
Variant type: single nucleotide variant.
Coding change: c.1072G>T on transcript NM_001127671.2 (MANE Select); coding-DNA position 1072, G replaced by T.
Protein change: p.Val358Leu; replaces valine 358 with leucine.
Molecular consequence: missense variant.
Genome position (GRCh38, 1-based): chr5:38,506,552, C>A on the plus strand (G>T on the coding strand, the complement: LIFR is on the minus strand). VCF-style: chr5-38506552-C-A. GRCh37 (hg19) VCF-style: chr5-38506654-C-A.
Other names: c.1072G>T, p.Val358Leu (NM_001364297.2, NM_001364298.2, NM_002310.6); short protein forms V358L.
Identifiers: ClinVar variation 4537664 (VCV004537664.1).
Genomic context (GRCh38, chr5:38,506,552, plus strand): 5'-GTTATCATTACCTTTCAACTAAAGTGTAGCTTGTAGCACGTGGGCCCACCAACGCTGTCA[C>A]CCTTCCTGGATTCCAACTACATATAATTTCTTTTAAATCATGTGTCTCACAATTCAGTTG-3'
Protein context (NP_001121143.1, residues 348-368): EIICSWNPGR[Val358Leu]TALVGPRATS